The following is an entry in ClinVar:

NM_000277.3(PAH):c.833C>A (p.Thr278Asn)

Gene: PAH (phenylalanine hydroxylase; minus strand). Cytogenetic location: 12q23.2.
Variant type: single nucleotide variant.
Coding change: c.833C>A on transcript NM_000277.3 (MANE Select); coding-DNA position 833, C replaced by A.
Protein change: p.Thr278Asn; replaces threonine 278 with asparagine.
Molecular consequence: missense variant.
Genome position (GRCh38, 1-based): chr12:102,852,824, G>T on the plus strand (C>A on the coding strand, the complement: PAH is on the minus strand). VCF-style: chr12-102852824-G-T. GRCh37 (hg19) VCF-style: chr12-103246602-G-T.
Other names: NM_000277.2(PAH):c.833C>A; c.833C>A, p.Thr278Asn (NM_001354304.2); c.833C>A (NM_000277.2); short protein forms T278N.
Identifiers: ClinVar variation 102862 (VCV000102862.33), dbSNP rs62507262, ClinGen allele CA229802.

ClinVar aggregate classification (germline): Pathogenic. Review status: reviewed by expert panel (3 of 4 stars). 8 submissions from 8 submitters: Pathogenic (1). 7 of the submissions do not count toward it. Last evaluated 2020-10-29.

Conditions:
Phenylketonuria (PKU). Also called: Phenylketonuria (PKU); FOLLING DISEASE; OLIGOPHRENIA PHENYLPYRUVICA; Phenylketonurias. Identifiers: Orphanet 716, MedGen C0031485, MONDO:0009861, OMIM 261600. Disease mechanism: loss of function.

gnomAD v4.1: 22 of 1,614,064 alleles (0.0014%); highest among the groups gnomAD compares: Non-Finnish European, 0.0019%; no homozygotes.

Submissions (8):

ClinGen PAH Variant Curation Expert Panel
Classification: Pathogenic for Phenylketonuria. Last evaluated: 2020-10-29. Review status: reviewed by expert panel. Criteria: ClinGen PAH ACMG Specifications v1. Collection method: curation. Allele origin: germline. Inheritance: Autosomal recessive inheritance.
Comment: The c.833C>A (p.Thr278Asn) variant in PAH has been reported in multiple individuals with PAH deficiency (BH4 deficiency excluded; PMID: 23764561, 16198137). This variant was detected with multiple pathogenic variants: p.R408W (PMID: 23764561); p.P281L (2 patients), and c.1315+1G>A (PMID: 23430918). This variant is absent in population databases Computational prediction tools and conservation analysis support a deleterious effect. Another missense change at the same amino acid (p.Thr278Ile) is pathogenic by 2 submitters. In summary, this variant meets criteria to be classified as pathogenic for PAH. PAH-specific ACMG/AMP criteria applied: PM3_strong, PM2, PM5, PP4_Moderate, PP3.

Natera, Inc.
Classification: Pathogenic for Phenylketonuria. Last evaluated: 2024-09-12. Review status: criteria provided, single submitter. Criteria: Natera Variant Classification Schema (03/2026). Collection method: clinical testing. Allele origin: germline. Not counted in ClinVar's aggregate classification.
Comment: The c.833C>A variant in PAH is a missense variant predicted to cause substitution of threonine to asparagine at amino acid 278. This variant is rare in the general population with a frequency below the threshold expected for the associated phenotype(s). This variant has been observed in one or more individuals affected with the associated recessive disease, as either homozygous or compound heterozygous with a second variant (PMID: 16198137, 23430918). Given the available evidence, this variant is classified as Pathogenic.

Baylor Genetics
Classification: Pathogenic for Phenylketonuria. Last evaluated: 2024-02-06. Review status: criteria provided, single submitter. Criteria: ACMG Guidelines, 2015. Collection method: clinical testing. Allele origin: unknown. Not counted in ClinVar's aggregate classification.

Labcorp Genetics (formerly Invitae), Labcorp
Classification: Pathogenic for Phenylketonuria. Last evaluated: 2022-09-27. Review status: criteria provided, single submitter. Criteria: Invitae Variant Classification Sherloc (09022015). Collection method: clinical testing. Allele origin: germline. Not counted in ClinVar's aggregate classification.
Comment: For these reasons, this variant has been classified as Pathogenic. ClinVar contains an entry for this variant (Variation ID: 102862). Advanced modeling of protein sequence and biophysical properties (such as structural, functional, and spatial information, amino acid conservation, physicochemical variation, residue mobility, and thermodynamic stability) performed at Invitae indicates that this missense variant is expected to disrupt PAH protein function. This variant disrupts the p.Thr278 amino acid residue in PAH. Other variant(s) that disrupt this residue have been determined to be pathogenic (PMID: 9860305, 15503242, 18985011, 23271928). This suggests that this residue is clinically significant, and that variants that disrupt this residue are likely to be disease-causing. This missense change has been observed in individual(s) with hyperphenylalaninemia (PMID: 16198137, 23764561, 24705691). This variant is not present in population databases (gnomAD no frequency). This sequence change replaces threonine, which is neutral and polar, with asparagine, which is neutral and polar, at codon 278 of the PAH protein (p.Thr278Asn).

Women's Health and Genetics/Laboratory Corporation of America, LabCorp
Classification: Pathogenic for Phenylketonuria. Last evaluated: 2019-10-28. Review status: criteria provided, single submitter. Criteria: LabCorp Variant Classification Summary - May 2015. Collection method: clinical testing. Allele origin: germline. Not counted in ClinVar's aggregate classification.
Comment: Variant summary: PAH c.833C>A (p.Thr278Asn) results in a non-conservative amino acid change located in the Eukaryotic phenylalanine-4-hydroxylase, catalytic domain (IPR041912) of the encoded protein sequence. Five of five in-silico tools predict a damaging effect of the variant on protein function. The variant was absent in 251320 control chromosomes (gnomAD). c.833C>A has been reported in the literature in multiple individuals affected with Phenylalanine Hydroxylase Deficiency (Phenylketonuria) (Guldberg_1993, Fiori_2005, Sarkissian_2011, Polak_2013). These data indicate that the variant is very likely to be associated with disease. To our knowledge, no experimental evidence demonstrating an impact on protein function has been reported. One ClinVar submitter (evaluation after 2014) cites the variant as likely pathogenic. Based on the evidence outlined above, the variant was classified as pathogenic.

Clinical Laboratory Sciences Program (CLSP), King Saud bin Abdulaziz University for Health Sciences (KSAU-HS)
Classification: Pathogenic for Phenylketonuria. Last evaluated: 2023-04-01. Review status: no assertion criteria provided. Collection method: clinical testing. Allele origin: germline. Affected: yes. Not counted in ClinVar's aggregate classification.

Counsyl
Classification: Likely pathogenic for Phenylketonuria. Last evaluated: 2017-02-03. Review status: no assertion criteria provided. Collection method: clinical testing. Allele origin: unknown. Not counted in ClinVar's aggregate classification.

DeBelle Laboratory for Biochemical Genetics, MUHC/MCH RESEARCH INSTITUTE
No classification provided. Review status: no classification provided. Collection method: not provided. Allele origin: not provided. Not counted in ClinVar's aggregate classification.

Literature cited by the submitters: PubMed 23764561 (cited by 4 submitters); PubMed 8268925 (cited by 3 submitters); PubMed 16198137 (cited by 4 submitters); PubMed 23430918 (cited by 3 submitters); PubMed 9860305 (cited by Labcorp Genetics (formerly Invitae), Labcorp); PubMed 15503242 (cited by Labcorp Genetics (formerly Invitae), Labcorp); PubMed 18985011 (cited by Labcorp Genetics (formerly Invitae), Labcorp); PubMed 23271928 (cited by Labcorp Genetics (formerly Invitae), Labcorp); PubMed 24705691 (cited by Labcorp Genetics (formerly Invitae), Labcorp and Counsyl); PubMed 10527663 (cited by Women's Health and Genetics/Laboratory Corporation of America, LabCorp); PubMed 14654665 (cited by Counsyl); PubMed 11708866 (cited by Counsyl); PubMed 26666653 (cited by Counsyl); PubMed 23942198 (cited by Counsyl).